The following is an entry in ClinVar:

NM_024675.4(PALB2):c.2351A>C (p.Lys784Thr)

Gene: PALB2 (partner and localizer of BRCA2; minus strand). Cytogenetic location: 16p12.2.
Variant type: single nucleotide variant.
Coding change: c.2351A>C on transcript NM_024675.4 (MANE Select); coding-DNA position 2351, A replaced by C.
Protein change: p.Lys784Thr; replaces lysine 784 with threonine.
Molecular consequence: missense variant. On other transcripts: intron variant (1).
Genome position (GRCh38, 1-based): chr16:23,629,803, T>G on the plus strand (A>C on the coding strand, the complement: PALB2 is on the minus strand). VCF-style: chr16-23629803-T-G. GRCh37 (hg19) VCF-style: chr16-23641124-T-G.
Other names: c.2291A>C, p.Lys764Thr (NM_001407296.1); c.2351A>C, p.Lys784Thr (NM_001407297.1, NM_001407298.1, NM_001407299.1 and 3 more transcripts); c.1466A>C, p.Lys489Thr (NM_001407304.1, NM_001407305.1, NM_001407306.1 and 5 more transcripts); c.563A>C, p.Lys188Thr (NM_001407312.1, NM_001407313.1); c.49-528A>C (NM_001407314.1); short protein forms K489T, K764T, K784T, K188T.
Identifiers: ClinVar variation 2735184 (VCV002735184.4), dbSNP rs2142374974, ClinGen allele CA395124874.

ClinVar aggregate classification (germline): Uncertain significance. Review status: criteria provided, multiple submitters, no conflicts (2 of 4 stars). 2 submissions from 2 submitters: Uncertain significance (2). Last evaluated 2024-09-30.

Conditions:
Familial cancer of breast. Also called: BREAST CANCER, FAMILIAL; Hereditary breast cancer; hereditary breast carcinoma. Identifiers: Orphanet 227535, MedGen C0346153, MONDO:0016419, OMIM 114480. Disease mechanism: loss of function.

Allele frequency attached by ClinVar (database versions not stated): gnomAD exomes below 0.00001.
gnomAD v4.1: 2 of 1,614,182 alleles (0.00012%); highest among the groups gnomAD compares: Non-Finnish European, 0.00017%; no homozygotes.

Submissions (2):

Molecular Pathology, Peter Maccallum Cancer Centre
Classification: Uncertain significance for Familial cancer of breast. Last evaluated: 2024-09-30. Review status: criteria provided, single submitter. Criteria: ACMG Guidelines, 2015. Collection method: clinical testing. Allele origin: germline. Inheritance: Autosomal dominant inheritance.

Labcorp Genetics (formerly Invitae), Labcorp
Classification: Uncertain significance for Familial cancer of breast. Last evaluated: 2023-07-03. Review status: criteria provided, single submitter. Criteria: Invitae Variant Classification Sherloc (09022015). Collection method: clinical testing. Allele origin: germline.
Comment: In summary, the available evidence is currently insufficient to determine the role of this variant in disease. Therefore, it has been classified as a Variant of Uncertain Significance. This sequence change replaces lysine, which is basic and polar, with threonine, which is neutral and polar, at codon 784 of the PALB2 protein (p.Lys784Thr). This variant is not present in population databases (gnomAD no frequency). This variant has not been reported in the literature in individuals affected with PALB2-related conditions. Advanced modeling of protein sequence and biophysical properties (such as structural, functional, and spatial information, amino acid conservation, physicochemical variation, residue mobility, and thermodynamic stability) performed at Invitae indicates that this missense variant is not expected to disrupt PALB2 protein function.